The following is an entry in ClinVar:

ClinVar aggregate classification (germline): Benign. Review status: criteria provided, multiple submitters, no conflicts (2 of 4 stars). 6 submissions from 6 submitters: Benign (6). Last evaluated 2026-01-31.

Conditions:
Microcephalic osteodysplastic primordial dwarfism type II (MOPD2). Also called: Microcephalic osteodysplastic primordial dwarfism with tooth abnormalities; MOPD II; OSTEODYSPLASTIC PRIMORDIAL DWARFISM, TYPE II. Identifiers: Orphanet 2637, MedGen C0432246, MONDO:0008872, OMIM 210720.

Allele frequency attached by ClinVar (database versions not stated): gnomAD exomes 0.00204; ExAC 0.00265; 1000 Genomes Project 0.00699; gnomAD 0.00713 and 0.00767; 1000 Genomes Project 30x 0.00765; TOPMed 0.00773; ESP Exome Variant Server 0.00892.
gnomAD v4.1: 2,090 of 1,613,956 alleles (0.13%); highest among the groups gnomAD compares: African/African-American, 2.3%; 31 homozygotes.

Submissions (6):

Labcorp Genetics (formerly Invitae), Labcorp
Classification: Benign. Last evaluated: 2026-01-31. Review status: criteria provided, single submitter. Criteria: Invitae Variant Classification Sherloc (09022015). Collection method: clinical testing. Allele origin: germline.

ARUP Laboratories, Molecular Genetics and Genomics, ARUP Laboratories
Classification: Benign for Microcephalic osteodysplastic primordial dwarfism type II. Last evaluated: 2024-12-27. Review status: criteria provided, single submitter. Criteria: ARUP Molecular Germline Variant Investigation Process 2024. Collection method: clinical testing. Allele origin: germline.

Illumina Laboratory Services, Illumina
Classification: Benign for Microcephalic osteodysplastic primordial dwarfism type II. Last evaluated: 2018-01-12. Review status: criteria provided, single submitter. Criteria: ICSL Variant Classification Criteria 13 December 2019. Collection method: clinical testing. Allele origin: germline.
Comment: This variant was observed in the ICSL laboratory as part of a predisposition screen in an ostensibly healthy population. It had not been previously curated by ICSL or reported in the Human Gene Mutation Database (HGMD: prior to June 1st, 2018), and was therefore a candidate for classification through an automated scoring system. Utilizing variant allele frequency, disease prevalence and penetrance estimates, and inheritance mode, an automated score was calculated to assess if this variant is too frequent to cause the disease. Based on the score and internal cut-off values, a variant classified as benign is not then subjected to further curation. The score for this variant resulted in a classification of benign for this disease.

GeneDx
Classification: Benign. Last evaluated: 2015-03-03. Review status: criteria provided, single submitter. Criteria: GeneDx Variant Classification Process June 2021. Collection method: clinical testing. Allele origin: germline. Affected: yes.

Genetic Services Laboratory, University of Chicago
Classification: Benign. Last evaluated: 2013-02-08. Review status: criteria provided, single submitter. Criteria: ACMG Guidelines, 2007. Collection method: clinical testing. Allele origin: germline. Inheritance: Autosomal recessive inheritance.

Breakthrough Genomics
Classification: Benign. Review status: criteria provided, single submitter. Criteria: ACMG Guidelines, 2015. Collection method: not provided. Allele origin: germline. Inheritance: Autosomal recessive inheritance. Affected: yes.

NM_006031.6(PCNT):c.7353G>A (p.Gly2451=)

Gene: PCNT (pericentrin; plus strand). Cytogenetic location: 21q22.3.
Variant type: single nucleotide variant.
Coding change: c.7353G>A on transcript NM_006031.6 (MANE Select); coding-DNA position 7353, G replaced by A.
Protein change: p.Gly2451=; no amino-acid change (glycine 2451 retained).
Molecular consequence: synonymous variant.
Genome position (GRCh38, 1-based): chr21:46,427,654, G>A. VCF-style: chr21-46427654-G-A. GRCh37 (hg19) VCF-style: chr21-47847568-G-A.
Other names: c.6999G>A, p.Gly2333= (NM_001315529.2).
Identifiers: ClinVar variation 159656 (VCV000159656.28), dbSNP rs61735816, ClinGen allele CA173087.